The following is an entry in ClinVar:

NM_015102.5(NPHP4):c.4159T>C (p.Tyr1387His)

Gene: NPHP4 (nephrocystin 4; minus strand). Cytogenetic location: 1p36.31.
Variant type: single nucleotide variant.
Coding change: c.4159T>C on transcript NM_015102.5 (MANE Select); coding-DNA position 4159, T replaced by C.
Protein change: p.Tyr1387His; replaces tyrosine 1387 with histidine.
Molecular consequence: missense variant. On other transcripts: non-coding transcript variant (1).
Genome position (GRCh38, 1-based): chr1:5,863,387, A>G on the plus strand (T>C on the coding strand, the complement: NPHP4 is on the minus strand). VCF-style: chr1-5863387-A-G. GRCh37 (hg19) VCF-style: chr1-5923447-A-G.
Other names: c.2620T>C, p.Tyr874His (NM_001291593.2); c.2623T>C, p.Tyr875His (NM_001291594.2); short protein forms Y1387H, Y874H, Y875H.
Identifiers: ClinVar variation 3347823 (VCV003347823.1).

ClinVar aggregate classification (germline): Uncertain significance (0 of 4 stars; one submission).

Conditions:
NPHP4-related disorder. Also called: NPHP4-related condition; NPHP4-related disorders. Identifiers: MedGen CN239384.

gnomAD v4.1: 1 of 1,613,726 alleles (0.000062%); highest among the groups gnomAD compares: Non-Finnish European, 0.000085%; no homozygotes.

Submission:

PreventionGenetics, part of Exact Sciences
Classification: Uncertain significance for NPHP4-related condition. Last evaluated: 2024-05-01. Review status: no assertion criteria provided. Collection method: clinical testing. Allele origin: germline.
Comment: The NPHP4 c.4159T>C variant is predicted to result in the amino acid substitution p.Tyr1387His. To our knowledge, this variant has not been reported in the literature or in a large population database, indicating this variant is rare. At this time, the clinical significance of this variant is uncertain due to the absence of conclusive functional and genetic evidence.